The following is an entry in ClinVar:

NM_001556.3(IKBKB):c.2255T>A (p.Leu752Gln)

Gene: IKBKB (inhibitor of nuclear factor kappa B kinase subunit beta; plus strand). Cytogenetic location: 8p11.21.
Variant type: single nucleotide variant.
Coding change: c.2255T>A on transcript NM_001556.3 (MANE Select); coding-DNA position 2255, T replaced by A.
Protein change: p.Leu752Gln; replaces leucine 752 with glutamine.
Molecular consequence: missense variant. On other transcripts: non-coding transcript variant (3).
Genome position (GRCh38, 1-based): chr8:42,330,963, T>A. VCF-style: chr8-42330963-T-A. GRCh37 (hg19) VCF-style: chr8-42188481-T-A.
Other names: c.2063T>A, p.Leu688Gln (NM_001190720.3); c.2078T>A, p.Leu693Gln (NM_001242778.2); short protein forms L688Q, L693Q, L752Q.
Identifiers: ClinVar variation 4811351 (VCV004811351.1).

ClinVar aggregate classification (germline): Uncertain significance (1 of 4 stars; one submission).

Conditions:
Severe combined immunodeficiency due to IKK2 deficiency. Also called: IMMUNODEFICIENCY 15B; Immunodeficiency 15. Identifiers: Orphanet 397787, MedGen C4747743, MONDO:0014267, OMIM 615592.

Submission:

Labcorp Genetics (formerly Invitae), Labcorp
Classification: Uncertain significance for Severe combined immunodeficiency due to IKK2 deficiency. Last evaluated: 2025-02-10. Review status: criteria provided, single submitter. Criteria: Invitae Variant Classification Sherloc (09022015). Collection method: clinical testing. Allele origin: germline.
Comment: This sequence change replaces leucine, which is neutral and non-polar, with glutamine, which is neutral and polar, at codon 752 of the IKBKB protein (p.Leu752Gln). This variant is not present in population databases (gnomAD no frequency). This variant has not been reported in the literature in individuals affected with IKBKB-related conditions. Invitae Evidence Modeling of protein sequence and biophysical properties (such as structural, functional, and spatial information, amino acid conservation, physicochemical variation, residue mobility, and thermodynamic stability) indicates that this missense variant is not expected to disrupt IKBKB protein function with a negative predictive value of 95%. In summary, the available evidence is currently insufficient to determine the role of this variant in disease. Therefore, it has been classified as a Variant of Uncertain Significance.